The following is an entry in ClinVar:

ClinVar aggregate classification (germline): Uncertain significance. Review status: criteria provided, multiple submitters, no conflicts (2 of 4 stars). 2 submissions from 2 submitters: Uncertain significance (2). Last evaluated 2023-12-02.

Conditions:
Developmental and epileptic encephalopathy, 1 (DEE1). Also called: X-linked infantile spasms; West's syndrome; Tonic spasms with clustering, arrest of psychomotor development and hypsarrhythmia on EEG; X-Linked Infantile Spasm Syndrome; OHTAHARA SYNDROME, X-LINKED; Epileptic encephalopathy, early infantile, 1. Identifiers: MedGen C3463992, MONDO:0010632, OMIM 308350. Disease mechanism: loss of function.
Intellectual disability, X-linked, with or without seizures, ARX-related. Also called: Mental retardation, X-linked 52; INTELLECTUAL DEVELOPMENTAL DISORDER, X-LINKED 29; MENTAL RETARDATION, X-LINKED 29; MENTAL RETARDATION, X-LINKED 32; MENTAL RETARDATION, X-LINKED 33; MENTAL RETARDATION, X-LINKED 38. Identifiers: Orphanet 777, MedGen C0796244, MONDO:0010317, OMIM 300419.

Allele frequency attached by ClinVar (database versions not stated): gnomAD exomes below 0.00001 and 0.00001; gnomAD 0.00005; TOPMed 0.00007; ExAC 0.00014.
gnomAD v4.1: 6 of 1,140,321 alleles (0.00053%); highest among the groups gnomAD compares: African/African-American, 0.011%; no homozygotes.

Submissions (2):

Labcorp Genetics (formerly Invitae), Labcorp
Classification: Uncertain significance for Developmental and epileptic encephalopathy, 1; Intellectual disability, X-linked, with or without seizures, ARX-related. Last evaluated: 2023-12-02. Review status: criteria provided, single submitter. Criteria: Invitae Variant Classification Sherloc (09022015). Collection method: clinical testing. Allele origin: germline.
Comment: This sequence change replaces glycine, which is neutral and non-polar, with alanine, which is neutral and non-polar, at codon 210 of the ARX protein (p.Gly210Ala). This variant is present in population databases (rs752323898, gnomAD 0.03%). This variant has not been reported in the literature in individuals affected with ARX-related conditions. ClinVar contains an entry for this variant (Variation ID: 595322). Advanced modeling of protein sequence and biophysical properties (such as structural, functional, and spatial information, amino acid conservation, physicochemical variation, residue mobility, and thermodynamic stability) performed at Invitae indicates that this missense variant is not expected to disrupt ARX protein function with a negative predictive value of 95%. In summary, the available evidence is currently insufficient to determine the role of this variant in disease. Therefore, it has been classified as a Variant of Uncertain Significance.

Eurofins Ntd Llc (ga)
Classification: Uncertain significance. Last evaluated: 2017-12-22. Review status: criteria provided, single submitter. Criteria: EGL Classification Definitions 2015. Collection method: clinical testing. Allele origin: germline. Observed: 1 variant allele, 1 hemizygote.

NM_139058.3(ARX):c.629G>C (p.Gly210Ala)

Gene: ARX (aristaless related homeobox; minus strand). Cytogenetic location: Xp21.3.
Variant type: single nucleotide variant.
Coding change: c.629G>C on transcript NM_139058.3 (MANE Select); coding-DNA position 629, G replaced by C.
Protein change: p.Gly210Ala; replaces glycine 210 with alanine.
Molecular consequence: missense variant.
Genome position (GRCh38, 1-based): chrX:25,013,366, C>G on the plus strand (G>C on the coding strand, the complement: ARX is on the minus strand). VCF-style: chrX-25013366-C-G. GRCh37 (hg19) VCF-style: chrX-25031483-C-G.
Other names: short protein forms G210A.
Identifiers: ClinVar variation 595322 (VCV000595322.14), dbSNP rs752323898, ClinGen allele CA10373891.